The following is an entry in ClinVar:

NM_001267550.2(TTN):c.69936C>G (p.Tyr23312Ter)

Genes: TTN (titin; minus strand), TTN-AS1 (TTN antisense RNA 1; plus strand), LOC126806422 (BRD4-independent group 4 enhancer GRCh37_chr2:179440205-179441404; plus strand). Cytogenetic location: 2q31.2.
Variant type: single nucleotide variant.
Coding change: c.69936C>G on transcript NM_001267550.2 (MANE Select); coding-DNA position 69936, C replaced by G.
Protein change: p.Tyr23312Ter; replaces tyrosine 23312 with a stop codon.
Molecular consequence: nonsense.
Genome position (GRCh38, 1-based): chr2:178,576,196, G>C on the plus strand (C>G on the coding strand, the complement: TTN is on the minus strand). VCF-style: chr2-178576196-G-C. GRCh37 (hg19) VCF-style: chr2-179440923-G-C.
Other names: c.65013C>G, p.Tyr21671Ter (NM_001256850.1); c.42741C>G, p.Tyr14247Ter (NM_003319.4); c.62232C>G, p.Tyr20744Ter (NM_133378.4); c.43116C>G, p.Tyr14372Ter (NM_133432.3); c.43317C>G, p.Tyr14439Ter (NM_133437.4); short protein forms Y14439*, Y20744*, Y21671*, Y14247*, Y23312*, Y14372*.
Identifiers: ClinVar variation 4193725 (VCV004193725.1).

ClinVar aggregate classification (germline): Likely pathogenic (1 of 4 stars; one submission).

Conditions:
Cardiovascular phenotype. Identifiers: MedGen CN230736.

Submission:

Ambry Genetics
Classification: Likely pathogenic for Cardiovascular phenotype. Last evaluated: 2025-07-15. Review status: criteria provided, single submitter. Criteria: Ambry Variant Classification Scheme 2023. Collection method: clinical testing. Allele origin: germline.
Comment: The p.Y14247* variant (also known as c.42741C>G), located in coding exon 153 of the TTN gene, results from a C to G substitution at nucleotide position 42741. This changes the amino acid from a tyrosine to a stop codon within coding exon 153. This exon is located in the A-band region of the N2-B isoform of the titin protein and is constitutively expressed in TTN transcripts (percent spliced in or PSI 100%). This variant was reported in individual(s) with features consistent with dilated cardiomyopathy (Ambry internal data). This variant is considered to be rare based on population cohorts in the Genome Aggregation Database (gnomAD). This variant is expected to result in loss of function by premature protein truncation or nonsense-mediated mRNA decay. While truncating variants in TTN are present in 1-3% of the general population, truncating variants in the A-band are the most common cause of dilated cardiomyopathy (Herman DS et al. N. Engl. J. Med., 2012 Feb;366:619-28; Roberts AM et al. Sci Transl Med, 2015 Jan;7:270ra6). TTN truncating variants encoded in constitutive exons (PSI >90%) have been found to be significantly associated with DCM regardless of their position in titin (Schafer S et al. Nat. Genet., 2017 01;49:46-53; Akhtar MM et al. Circ Heart Fail, 2020 Oct;13:e006832; Massier M et al. Clin Genet, 2025 Jan). Based on the majority of available evidence to date, this variant is likely to be pathogenic.